The following is an entry in ClinVar:

ClinVar aggregate classification (germline): Likely pathogenic. Review status: reviewed by expert panel (3 of 4 stars). 2 submissions from 2 submitters: Likely pathogenic (1). 1 of the submissions does not count toward it. Last evaluated 2025-05-04.

Conditions:
Mucopolysaccharidosis type 1. Also called: IDUA deficiency; MPS I. Identifiers: Orphanet 579, MedGen C0023786, MONDO:0001586.

Submissions (2):

ClinGen Lysosomal Storage Disorder Variant Curation Expert Panel
Classification: Likely pathogenic for Mucopolysaccharidosis type 1. Last evaluated: 2025-05-04. Review status: reviewed by expert panel. Criteria: ClinGen LSD ACMG Specifications IDUA V1.0.0. Collection method: curation. Allele origin: germline. Inheritance: Autosomal recessive inheritance.
Comment: The NM_000203.5:c.1650+1G>T variant in IDUA is a canonical splice donor variant. This variant is predicted to cause in-frame loss of exon 11 (42 amino acids; 6.4% of total protein length)(PVS1_Moderate). Whilst this is a GC donor splice site (in comparison to typical GT dinucleotide), in silico predictors indicate that loss of the donor site is highly likely (Splice AI delta score 0.83). This variant has been reported in four patients of Tunisian heritage in a single paper (PMID: 29843745), all of whom meet three phenotypic specificity criteria: 1) evidence of heparan and dermatan sulfate bands on gel electrophoresis, 2) undetectable/low IDUA enzyme activity, 3) 'Organomegaly' and 'Bone Involvement' as specific clinical features. This is sufficient diagnostic specificity to apply PP4_Moderate. One of these patients is compound heterozygous for the variant and another variant in IDUA that has been classified as pathogenic by the ClinGen LD VCEP, c.223G>A (p.Ala75Thr) (ClinVar Variation ID: 222993); the variants were confirmed to be in trans (1 point). Two patients were homozygous for the variant (2 x 0.5 points). The allelic data from this patient will be used in the classification of p.Arg555His and is not included here to avoid circular logic. Total PM3 points = 2 points (PM3_Strong). The variant is absent in gnomAD v4.1.0. (PM2_Supporting). Three other splice variants (c.1650+1G>A, c.1650+2C>G and c.1650+5G>A) in the same region have been reported. The classification of the variant under assessment, c.1650+1G>T will be used to support the classification of these other variants and is not included here to avoid circular logic. There is a ClinVar entry for this variant (Variation ID: 1323092). In summary, this variant meets the criteria to be classified as likely pathogenic for mucopolysaccharidosis type I. IDUA-specific ACMG/AMP criteria applied, as specified by the ClinGen LD VCEP (Specifications Version 1.0.0.): PM3_Strong, PVS1_Moderate, PP4_Moderate, PM2_Supporting (Classification approved by the ClinGen Lysosomal Diseases Variant Curation Expert Panel on May 4, 2025).

Revvity Omics, Revvity
Classification: Pathogenic. Last evaluated: 2020-06-19. Review status: criteria provided, single submitter. Criteria: ACMG Guidelines, 2015. Collection method: clinical testing. Allele origin: germline. Not counted in ClinVar's aggregate classification.

NM_000203.5(IDUA):c.1650+1G>T

Gene: IDUA (alpha-L-iduronidase; plus strand). Cytogenetic location: 4p16.3.
Variant type: single nucleotide variant.
Coding change: c.1650+1G>T on transcript NM_000203.5 (MANE Select); the canonical splice donor site of the intron after coding-DNA position 1650, G replaced by T.
Molecular consequence: splice donor variant.
Genome position (GRCh38, 1-based): chr4:1,003,471, G>T. VCF-style: chr4-1003471-G-T. GRCh37 (hg19) VCF-style: chr4-997259-G-T.
Other names: c.1254+1G>T (NM_001363576.1).
Identifiers: ClinVar variation 1323092 (VCV001323092.5), dbSNP rs1434521185, ClinGen allele CA355965141.